The following is an entry in ClinVar:

ClinVar aggregate classification (germline): Conflicting classifications of pathogenicity. Review status: criteria provided, conflicting classifications (1 of 4 stars). 2 submissions from 2 submitters: Uncertain significance (1); Likely benign (1). Last evaluated 2025-05-11.

Conditions:
Inborn genetic diseases. Identifiers: MedGen C0950123, MeSH D030342.
Spastic paraplegia. Identifiers: MedGen C0037772, HP:0001258.

Allele frequency attached by ClinVar (database versions not stated): gnomAD 0.00002; gnomAD exomes 0.00001; TOPMed 0.00001; ExAC 0.00002.
gnomAD v4.1: 8 of 1,210,507 alleles (0.00066%); highest among the groups gnomAD compares: Admixed American, 0.017%; no homozygotes.

Submissions (2):

Labcorp Genetics (formerly Invitae), Labcorp
Classification: Likely benign for Spastic paraplegia. Last evaluated: 2025-05-11. Review status: criteria provided, single submitter. Criteria: Invitae Variant Classification Sherloc (09022015). Collection method: clinical testing. Allele origin: germline.

Ambry Genetics
Classification: Uncertain significance for Inborn genetic diseases. Last evaluated: 2019-01-18. Review status: criteria provided, single submitter. Criteria: Ambry Variant Classification Scheme 2023. Collection method: clinical testing. Allele origin: germline.
Comment: The p.H579R variant (also known as c.1736A>G), located in coding exon 12 of the KDM5C gene, results from an A to G substitution at nucleotide position 1736. The histidine at codon 579 is replaced by arginine, an amino acid with highly similar properties. This amino acid position is highly conserved in available vertebrate species. In addition, the in silico prediction for this alteration is inconclusive. Since supporting evidence is limited at this time, the clinical significance of this alteration remains unclear.

NM_004187.5(KDM5C):c.1736A>G (p.His579Arg)

Gene: KDM5C (lysine demethylase 5C; minus strand). Cytogenetic location: Xp11.22.
Variant type: single nucleotide variant.
Coding change: c.1736A>G on transcript NM_004187.5 (MANE Select); coding-DNA position 1736, A replaced by G.
Protein change: p.His579Arg; replaces histidine 579 with arginine.
Molecular consequence: missense variant. On other transcripts: non-coding transcript variant (3).
Genome position (GRCh38, 1-based): chrX:53,210,424, T>C on the plus strand (A>G on the coding strand, the complement: KDM5C is on the minus strand). VCF-style: chrX-53210424-T-C. GRCh37 (hg19) VCF-style: chrX-53239606-T-C.
Other names: c.1535A>G, p.His512Arg (NM_001146702.2); c.1733A>G, p.His578Arg (NM_001282622.3, NM_001353979.2, NM_001353982.2); c.1736A>G, p.His579Arg (NM_001353978.3, NM_001353981.2, NM_001353984.2); short protein forms H512R, H578R, H579R.
Identifiers: ClinVar variation 1779074 (VCV001779074.4), dbSNP rs782780250, ClinGen allele CA10419501.